The following is an entry in ClinVar:

ClinVar aggregate classification (germline): Uncertain significance (1 of 4 stars; one submission).

Submission:

Labcorp Genetics (formerly Invitae), Labcorp
Classification: Uncertain significance. Last evaluated: 2023-11-12. Review status: criteria provided, single submitter. Criteria: Invitae Variant Classification Sherloc (09022015). Collection method: clinical testing. Allele origin: germline.
Comment: This variant, c.2771_2773del, results in the deletion of 1 amino acid(s) of the OPA1 protein (p.Lys924del), but otherwise preserves the integrity of the reading frame. This variant is present in population databases (rs577168770, gnomAD 0.004%). This variant has been observed in individual(s) with autosomal dominant OPA1-related conditions (PMID: 29111013). This variant is also known as c.2930_2932delAGA, p.Lys979del. Experimental studies and prediction algorithms are not available or were not evaluated, and the functional significance of this variant is currently unknown. In summary, the available evidence is currently insufficient to determine the role of this variant in disease. Therefore, it has been classified as a Variant of Uncertain Significance.

Literature cited by the submitters: PubMed 29111013.

NM_130837.3(OPA1):c.2930AGA[2] (p.Lys979del)

Gene: OPA1 (OPA1 mitochondrial dynamin like GTPase; plus strand). Cytogenetic location: 3q29.
Variant type: Microsatellite.
Coding change: c.2930AGA[2] on transcript NM_130837.3 (MANE Select); two copies in a row of the 3-base unit AGA starting at c.2930; the reference has three copies in a row; one copy, 3 bases deleted.
Protein change: p.Lys979del; deletes lysine 979.
Molecular consequence: inframe deletion.
Genome position (GRCh38, 1-based): chr3:193,667,233-193,667,235, AGA deleted; deleting any 3 consecutive bases within chr3:193,667,227-193,667,235 gives the same sequence; the position shown is the placement nearest the transcript's 3' end. VCF-style (leftmost placement, unchanged base first): chr3-193667226-GAGA-G. GRCh37 (hg19) VCF-style: chr3-193385015-GAGA-G.
Other names: c.2765AGA[2], p.Lys924del (NM_015560.3); c.2657AGA[2], p.Lys888del (NM_130831.3); c.2711AGA[2], p.Lys906del (NM_130832.3); c.2768AGA[2], p.Lys925del (NM_130833.3); c.2819AGA[2], p.Lys942del (NM_130834.3); c.2822AGA[2], p.Lys943del (NM_130835.3); c.2876AGA[2], p.Lys961del (NM_130836.3); c.2396AGA[2], p.Lys801del (NM_001354663.2); and 1 more; short protein forms K924del, K925del, K943del, K801del, K906del, K942del, K979del, K800del.
Identifiers: ClinVar variation 2734624 (VCV002734624.3), dbSNP rs577168770, ClinGen allele CA2759784.